The following is an entry in ClinVar:

ClinVar aggregate classification (germline): Likely benign. Review status: criteria provided, multiple submitters, no conflicts (2 of 4 stars). 2 submissions from 2 submitters: Likely benign (2). Last evaluated 2025-12-23.

Conditions:
Glycogen storage disease, type V (GSD5). Also called: McArdle type glycogen storage disease; MCARDLE DISEASE; MUSCLE GLYCOGEN PHOSPHORYLASE DEFICIENCY; MYOPHOSPHORYLASE DEFICIENCY; PYGM DEFICIENCY. Identifiers: Orphanet 368, MedGen C0017924, MONDO:0009293, OMIM 232600.

Allele frequency attached by ClinVar (database versions not stated): gnomAD exomes below 0.00001.
gnomAD v4.1: 2 of 1,614,160 alleles (0.00012%); highest among the groups gnomAD compares: Non-Finnish European, 0.00017%; no homozygotes.

Submissions (2):

Labcorp Genetics (formerly Invitae), Labcorp
Classification: Likely benign for Glycogen storage disease, type V. Last evaluated: 2025-12-23. Review status: criteria provided, single submitter. Criteria: Invitae Variant Classification Sherloc (09022015). Collection method: clinical testing. Allele origin: germline.

CeGaT Center for Human Genetics Tuebingen
Classification: Likely benign. Last evaluated: 2024-02-01. Review status: criteria provided, single submitter. Criteria: CeGaT Center For Human Genetics Tuebingen Variant Classification Criteria Version 2. Collection method: clinical testing. Allele origin: germline. Affected: yes. Observed: 1 variant allele.
Comment: PYGM: PM2:Supporting, BP4, BP7

NM_005609.4(PYGM):c.459G>C (p.Leu153=)

Gene: PYGM (glycogen phosphorylase, muscle associated; minus strand). Cytogenetic location: 11q13.1.
Variant type: single nucleotide variant.
Coding change: c.459G>C on transcript NM_005609.4 (MANE Select); coding-DNA position 459, G replaced by C.
Protein change: p.Leu153=; no amino-acid change (leucine 153 retained).
Molecular consequence: synonymous variant. On other transcripts: intron variant (1).
Genome position (GRCh38, 1-based): chr11:64,758,315, C>G on the plus strand (G>C on the coding strand, the complement: PYGM is on the minus strand). VCF-style: chr11-64758315-C-G. GRCh37 (hg19) VCF-style: chr11-64525787-C-G.
Other names: c.244-49G>C (NM_001164716.1).
Identifiers: ClinVar variation 1108944 (VCV001108944.31), dbSNP rs775811645, ClinGen allele CA223888193.